The following is an entry in ClinVar:

ClinVar aggregate classification (germline): VUS-mid (1 of 4 stars; one submission).

Conditions:
Spastic ataxia 10, autosomal recessive (SPAX10). Identifiers: MedGen C5882738, MONDO:0958009, OMIM 620666.

gnomAD v4.1: 1 of 1,610,792 alleles (0.000062%); highest among the groups gnomAD compares: Non-Finnish European, 0.000085%; no homozygotes.

Submission:

Clinical Genetics Laboratory, University Hospital Schleswig-Holstein
Classification: VUS-mid for Spastic ataxia 10, autosomal recessive. Last evaluated: 2025-01-22. Review status: criteria provided, single submitter. Criteria: ACMG Guidelines, 2015. Collection method: clinical testing. Allele origin: germline. Affected: yes.
Comment: ACMG criteria applied: PM2, PP4

NM_016035.5(COQ4):c.702C>A (p.Asn234Lys)

Gene: COQ4 (coenzyme Q4; plus strand). Cytogenetic location: 9q34.11.
Variant type: single nucleotide variant.
Coding change: c.702C>A on transcript NM_016035.5 (MANE Select); coding-DNA position 702, C replaced by A.
Protein change: p.Asn234Lys; replaces asparagine 234 with lysine.
Molecular consequence: missense variant. On other transcripts: 3 prime UTR variant (1).
Genome position (GRCh38, 1-based): chr9:128,333,549, C>A. VCF-style: chr9-128333549-C-A. GRCh37 (hg19) VCF-style: chr9-131095828-C-A.
Other names: c.*78C>A (NM_001305942.2); short protein forms N234K.
Identifiers: ClinVar variation 5042009 (VCV005042009.1).